The following is an entry in ClinVar:

ClinVar aggregate classification (germline): Uncertain significance (1 of 4 stars; one submission).

Submission:

GeneDx
Classification: Uncertain significance. Last evaluated: 2020-01-31. Review status: criteria provided, single submitter. Criteria: GeneDx Variant Classification Process June 2021. Collection method: clinical testing. Allele origin: germline. Affected: yes.
Comment: Not observed in large population cohorts (Lek et al., 2016); Missense variants in this gene are often considered pathogenic (Stenson et al., 2014); In silico analysis supports that this missense variant has a deleterious effect on protein structure/function; Has not been previously published as pathogenic or benign to our knowledge

NM_001040142.2(SCN2A):c.31C>G (p.Pro11Ala)

Gene: SCN2A (sodium voltage-gated channel alpha subunit 2; plus strand). Cytogenetic location: 2q24.3.
Variant type: single nucleotide variant.
Coding change: c.31C>G on transcript NM_001040142.2 (MANE Select); coding-DNA position 31, C replaced by G.
Protein change: p.Pro11Ala; replaces proline 11 with alanine.
Molecular consequence: missense variant.
Genome position (GRCh38, 1-based): chr2:165,295,854, C>G. VCF-style: chr2-165295854-C-G. GRCh37 (hg19) VCF-style: chr2-166152364-C-G.
Other names: c.31C>G, p.Pro11Ala (NM_001040143.2, NM_001371246.1, NM_001371247.1 and 1 more transcripts); short protein forms P11A.
Identifiers: ClinVar variation 1320412 (VCV001320412.2), dbSNP rs2106148959, ClinGen allele CA349009710.
Genomic context (GRCh38, chr2:165,295,854, plus strand): 5'-AAACAGTGATTAAAGGAGCAGGATGAAAAGATGGCACAGTCAGTGCTGGTACCGCCAGGA[C>G]CTGACAGCTTCCGCTTCTTTACCAGGGAATCCCTTGCTGCTATTGAACAACGCATTGCAG-3'
Protein context (NP_001035232.1, residues 1-21): MAQSVLVPPG[Pro11Ala]DSFRFFTRES